The following is an entry in ClinVar:

ClinVar aggregate classification (germline): Uncertain significance (1 of 4 stars; one submission).

Submission:

Ambry Genetics
Classification: Uncertain significance. Last evaluated: 2023-10-07. Review status: criteria provided, single submitter. Criteria: Ambry Variant Classification Scheme 2023. Collection method: clinical testing. Allele origin: germline.
Comment: The p.V435A variant (also known as c.1304T>C), located in coding exon 10 of the RECQL gene, results from a T to C substitution at nucleotide position 1304. The valine at codon 435 is replaced by alanine, an amino acid with similar properties. This amino acid position is well conserved in available vertebrate species. In addition, the in silico prediction for this alteration is inconclusive. The evidence for this gene-disease relationship is limited; therefore, the clinical significance of this alteration is unclear.

NM_002907.4(RECQL):c.1304T>C (p.Val435Ala)

Gene: RECQL (RecQ like helicase; minus strand). Cytogenetic location: 12p12.1.
Variant type: single nucleotide variant.
Coding change: c.1304T>C on transcript NM_002907.4 (MANE Select); coding-DNA position 1304, T replaced by C.
Protein change: p.Val435Ala; replaces valine 435 with alanine.
Molecular consequence: missense variant.
Genome position (GRCh38, 1-based): chr12:21,474,892, A>G on the plus strand (T>C on the coding strand, the complement: RECQL is on the minus strand). VCF-style: chr12-21474892-A-G. GRCh37 (hg19) VCF-style: chr12-21627826-A-G.
Other names: c.1304T>C, p.Val435Ala (NM_032941.3); short protein forms V435A.
Identifiers: ClinVar variation 3222932 (VCV003222932.1), dbSNP rs1414386084, ClinGen allele CA384118380.
Genomic context (GRCh38, chr12:21,474,892, plus strand): 5'-GTGGCTTACTTGCTTATGTTTTGACAGTATGATACCATCTCATAAAGCTTCTGCTGTCCC[A>G]CATTTTCCATCACCACCATTGAACTTATTCTGAATATATCTCCAAAGCCGTAGTACAAAA-3'
Protein context (NP_002898.2, residues 425-445): RISSMVVMEN[Val435Ala]GQQKLYEMVS